The following is an entry in ClinVar:

ClinVar aggregate classification (germline): Uncertain significance. Review status: criteria provided, multiple submitters, no conflicts (2 of 4 stars). 2 submissions from 2 submitters: Uncertain significance (2). Last evaluated 2021-05-14.

Allele frequency attached by ClinVar (database versions not stated): gnomAD exomes below 0.00001 and 0.00001; ExAC 0.00001; gnomAD 0.00001; TOPMed 0.00001.
gnomAD v4.1: 8 of 1,613,776 alleles (0.0005%); highest among the groups gnomAD compares: Non-Finnish European, 0.00059%; no homozygotes.

Submissions (2):

Blueprint Genetics
Classification: Uncertain significance. Last evaluated: 2021-05-14. Review status: criteria provided, single submitter. Criteria: ACMG Guidelines, 2015. Collection method: clinical testing. Allele origin: germline.

Labcorp Genetics (formerly Invitae), Labcorp
Classification: Uncertain significance. Last evaluated: 2020-06-11. Review status: criteria provided, single submitter. Criteria: Invitae Variant Classification Sherloc (09022015). Collection method: clinical testing. Allele origin: germline.
Comment: In summary, the available evidence is currently insufficient to determine the role of this variant in disease. Therefore, it has been classified as a Variant of Uncertain Significance. Algorithms developed to predict the effect of missense changes on protein structure and function are either unavailable or do not agree on the potential impact of this missense change (SIFT: "Not Available"; PolyPhen-2: "Probably Damaging"; Align-GVGD: "Not Available"). This variant has not been reported in the literature in individuals with IDH3B-related conditions. This variant is present in population databases (rs762900851, ExAC 0.001%). This sequence change replaces arginine with tryptophan at codon 131 of the IDH3B protein (p.Arg131Trp). The arginine residue is moderately conserved and there is a moderate physicochemical difference between arginine and tryptophan.

NM_006899.5(IDH3B):c.391C>T (p.Arg131Trp)

Gene: IDH3B (isocitrate dehydrogenase (NAD(+)) 3 non-catalytic subunit beta; minus strand). Cytogenetic location: 20p13.
Variant type: single nucleotide variant.
Coding change: c.391C>T on transcript NM_006899.5 (MANE Select); coding-DNA position 391, C replaced by T.
Protein change: p.Arg131Trp; replaces arginine 131 with tryptophan.
Molecular consequence: missense variant. On other transcripts: non-coding transcript variant (1).
Genome position (GRCh38, 1-based): chr20:2,660,916, G>A on the plus strand (C>T on the coding strand, the complement: IDH3B is on the minus strand). VCF-style: chr20-2660916-G-A. GRCh37 (hg19) VCF-style: chr20-2641562-G-A.
Other names: c.391C>T, p.Arg131Trp (NM_001258384.3, NM_001330763.2, NM_174855.4); short protein forms R131W.
Identifiers: ClinVar variation 1020184 (VCV001020184.8), dbSNP rs762900851, ClinGen allele CA9735303.